The following is an entry in ClinVar:

ClinVar aggregate classification (germline): Conflicting classifications of pathogenicity. Review status: criteria provided, conflicting classifications (1 of 4 stars). 8 submissions from 8 submitters: Uncertain significance (7); Likely benign (1). Last evaluated 2026-06-04.

Conditions:
PROKR2-related disorder. Also called: PROKR2-related condition.
Hypogonadotropic hypogonadism 3 with or without anosmia (HH3). Also called: PROKR2-Related GnRH Deficiency (Kallmann Syndrome 3); HYPOGONADOTROPIC HYPOGONADISM 3 WITH ANOSMIA. Identifiers: Orphanet 478, MedGen C3550478, MONDO:0009482, OMIM 244200.

Allele frequency attached by ClinVar (database versions not stated): TOPMed 0.00041; 1000 Genomes Project 0.00060; 1000 Genomes Project 30x 0.00062.

Submissions (8):

Women's Health and Genetics/Laboratory Corporation of America, LabCorp
Classification: Uncertain significance. Last evaluated: 2026-06-04. Review status: criteria provided, single submitter. Criteria: LabCorp Variant Classification Summary - May 2015. Collection method: clinical testing. Allele origin: germline.
Comment: Variant summary: PROKR2 c.254G>T (p.Arg85Leu) results in a non-conservative amino acid change located in the GPCR, rhodopsin-like, 7TM domain (IPR017452) of the encoded protein sequence. Algorithms developed to predict the effect of missense changes on protein structure and function are either unavailable or do not agree on the potential impact of this missense change. The variant allele was found at a frequency of 0.00033 in 251490 control chromosomes (gnomAD). This frequency is not significantly higher than estimated for disease-causing variants in PROKR2, allowing no conclusion about variant significance. c.254G>T has been observed in individuals affected with Kallmann Syndrome 3 (McAbe_2013, Sarffati_2013, Bergman_2012, Poch_2024). These data indicate that the variant is likely to be associated with disease. Publications report experimental evidence evaluating an impact on protein function (Cox_2018, Wang_2023), and at least one showed no damaging effect of this variant. The following publications have been ascertained in the context of this evaluation (PMID: 31093944, 22399515, 29161432, 23386640, 38593951, 24031091, 36694982). ClinVar contains an entry for this variant (Variation ID: 338863). Based on the evidence outlined above, the variant was classified as VUS-possibly pathogenic.

Labcorp Genetics (formerly Invitae), Labcorp
Classification: Uncertain significance. Last evaluated: 2025-12-08. Review status: criteria provided, single submitter. Criteria: Invitae Variant Classification Sherloc (09022015). Collection method: clinical testing. Allele origin: germline.
Comment: This sequence change replaces arginine, which is basic and polar, with leucine, which is neutral and non-polar, at codon 85 of the PROKR2 protein (p.Arg85Leu). This variant is present in population databases (rs74315418, gnomAD 0.05%). This missense change has been observed in individual(s) with PROKR2-related conditions (PMID: 20022991, 23386640, 31093944, 38593951). ClinVar contains an entry for this variant (Variation ID: 338863). Invitae Evidence Modeling of protein sequence and biophysical properties (such as structural, functional, and spatial information, amino acid conservation, physicochemical variation, residue mobility, and thermodynamic stability) indicates that this missense variant is expected to disrupt PROKR2 protein function with a positive predictive value of 80%. Experimental studies are conflicting or provide insufficient evidence to determine the effect of this variant on PROKR2 function (PMID: 29161432, 36694982). In summary, the available evidence is currently insufficient to determine the role of this variant in disease. Therefore, it has been classified as a Variant of Uncertain Significance.

PreventionGenetics, part of Exact Sciences
Classification: Uncertain significance for PROKR2-related condition. Last evaluated: 2025-07-28. Review status: criteria provided, single submitter. Criteria: ACMG Guidelines, 2015. Collection method: clinical testing. Allele origin: germline.
Comment: The PROKR2 c.254G>T variant is predicted to result in the amino acid substitution p.Arg85Leu. This variant has been reported in the heterozygous state in individuals with Kallmann syndrome (Sarfati et al. 2010. PubMed ID: 20022991; Bergman et al. 2012. PubMed ID: 22399515), including cryptorchidism (Poch et al. 2024. PubMed ID: 38593951). This variant has also been reported in the heterozygous state in individuals with multiple pituitary hormone deficiency (MPHD, Kardelen et al. 2023. PubMed ID: 37338295) or hypopituitarism and septo-optic dysplasia (McCabe et al. 2013. PubMed ID: 23386640; Internal Data, PreventionGenetics). In vitro functional assays showed conflicting findings in that alone the variant markedly impaired cell surface expression and protein function (Sbai et al. 2014. PubMed ID: 24830383; Table S2, Cox et al. 2018. PubMed ID: 29161432). However, when co-transfected with wild-type, the variant could be rescued in 2 out of 3 signaling pathways, suggesting this variant might be a milder variant that may rely upon the genetic context for its phenotypic penetrance (Table S2, Cox et al. 2018. PubMed ID: 29161432). Alternate variants affecting the same amino acid (p.Arg85Gly, p.Arg85Cys and p. Arg85His) have been reported in association with PROKR2-related syndromes and have been noted to impact protein function (Dodé et al. 2013. PubMed ID: 23596439; Table S2, Cox et al. 2018. PubMed ID: 29161432; Martinez-Mayer and Millan. 2023. PubMed ID: 36843573). The c.254G>T variant is reported in 0.049% of alleles in individuals of European (non-Finnish) descent in gnomAD. However, in gnomAD v4 (available only on GRCh38), this variant is reported in 0.10% of alleles in an admixed subpopulation, including one homozygote. This variant has conflicting classifications in ClinVar ranging from likely benign to uncertain (ClinVar ID: 338863). Although we suspect this variant may be pathogenic, at this time, the clinical significance of this variant is uncertain due to the absence of conclusive functional and genetic evidence.

Blueprint Genetics
Classification: Uncertain significance. Last evaluated: 2024-08-19. Review status: criteria provided, single submitter. Criteria: ACMG Guidelines, 2015. Collection method: clinical testing. Allele origin: germline.

Fulgent Genetics
Classification: Uncertain significance for Hypogonadotropic hypogonadism 3 with or without anosmia. Last evaluated: 2024-01-21. Review status: criteria provided, single submitter. Criteria: ACMG Guidelines, 2015. Collection method: clinical testing. Allele origin: germline.

Department of Pathology and Laboratory Medicine, Sinai Health System
Classification: Uncertain significance for Hypogonadotropic hypogonadism 3 with or without anosmia. Last evaluated: 2022-11-29. Review status: criteria provided, single submitter. Criteria: ACMG Guidelines, 2015. Collection method: research. Allele origin: germline.

New York Genome Center
Classification: Uncertain significance for Hypogonadotropic hypogonadism 3 with or without anosmia. Last evaluated: 2019-06-10. Review status: criteria provided, single submitter. Criteria: NYGC Assertion Criteria 2020. Collection method: clinical testing. Allele origin: inherited. Observed: 1 heterozygote. Study: CSER-NYCKidSeq.
Comment: The inherited c.254G>T (p.Arg85Leu) variant in PROKR2 substitutes a highly conserved Arginine for Leucine at amino acid 85/385 (coding exon 2/3). It is found in gnomAD (7 heterozygous individuals, 0 homozygous individuals, allele frequency: 2.2e-4) and ExAC (38 heterozygous individuals, 0 homozygous individuals; allele frequency: 3.13e-4). In silico algorithms predict that this variant is Deleterious (Provean; score: -5.97) and Damaging (SIFT; score: 0.000) to the function of the canonical transcript. This variant is reported in ClinVar with a single submission lacking supporting evidence as Likely Benign (VarID:338863), however different amino acid changes at the same residuehave been reported as Pathogenic, Likely Pathogenic, or as a Variant of Uncertain Significance (p.Arg85His; p.Arg85Gly; Arg85Cys). The Arg85 residue is at the first intracellular loop, and functional studies have suggested that the p.Arg85Leu variant has a mild G-protein coupling defectas well as reduced quantity of protein present at the cell surface [PMID: 24830383].This variant has been identified inindividuals in the literature with Kallmann syndrome or pituitary hormone deficiency [PMID: 24031091; PMID: 23386640]. The inherited c.254G>T (p.Arg85Leu) variant is reported here as a Variant of Uncertain Significance.

Illumina Laboratory Services, Illumina
Classification: Likely benign for Hypogonadotropic hypogonadism 3 with or without anosmia. Last evaluated: 2017-04-27. Review status: criteria provided, single submitter. Criteria: ICSL Variant Classification Criteria 13 December 2019. Collection method: clinical testing. Allele origin: germline.
Comment: This variant was observed as part of a predisposition screen in an ostensibly healthy population. A literature search was performed for the gene, cDNA change, and amino acid change (where applicable). Publications were found based on this search. The evidence from the literature, in combination with allele frequency data from public databases where available, was sufficient to determine this variant is unlikely to cause disease. Therefore, this variant is classified as likely benign.

Literature cited by the submitters: PubMed 29161432 (cited by Women's Health and Genetics/Laboratory Corporation of America, LabCorp and Labcorp Genetics (formerly Invitae), Labcorp); PubMed 24031091 (cited by Women's Health and Genetics/Laboratory Corporation of America, LabCorp); PubMed 23386640 (cited by 3 submitters); PubMed 36694982 (cited by Women's Health and Genetics/Laboratory Corporation of America, LabCorp and Labcorp Genetics (formerly Invitae), Labcorp); PubMed 31093944 (cited by Women's Health and Genetics/Laboratory Corporation of America, LabCorp and Labcorp Genetics (formerly Invitae), Labcorp); PubMed 22399515 (cited by Women's Health and Genetics/Laboratory Corporation of America, LabCorp and Illumina Laboratory Services, Illumina); PubMed 38593951 (cited by Women's Health and Genetics/Laboratory Corporation of America, LabCorp and Labcorp Genetics (formerly Invitae), Labcorp); PubMed 20022991 (cited by Labcorp Genetics (formerly Invitae), Labcorp and Illumina Laboratory Services, Illumina); PubMed 21858136 (cited by Illumina Laboratory Services, Illumina); PubMed 22319038 (cited by Illumina Laboratory Services, Illumina); PubMed 17054399 (cited by Illumina Laboratory Services, Illumina); PubMed 25759380 (cited by Illumina Laboratory Services, Illumina); PubMed 22745195 (cited by Illumina Laboratory Services, Illumina); PubMed 24830383 (cited by Illumina Laboratory Services, Illumina); PubMed 23596439 (cited by Illumina Laboratory Services, Illumina); PubMed 18826963 (cited by Illumina Laboratory Services, Illumina); PubMed 21247312 (cited by Illumina Laboratory Services, Illumina).

NM_144773.4(PROKR2):c.254G>T (p.Arg85Leu)

Gene: PROKR2 (prokineticin receptor 2; minus strand). Cytogenetic location: 20p12.3.
Variant type: single nucleotide variant.
Coding change: c.254G>T on transcript NM_144773.4 (MANE Select); coding-DNA position 254, G replaced by T.
Protein change: p.Arg85Leu; replaces arginine 85 with leucine.
Molecular consequence: missense variant.
Genome position (GRCh38, 1-based): chr20:5,314,116, C>A on the plus strand (G>T on the coding strand, the complement: PROKR2 is on the minus strand). VCF-style: chr20-5314116-C-A. GRCh37 (hg19) VCF-style: chr20-5294762-C-A.
Other names: short protein forms R85L.
Identifiers: ClinVar variation 338863 (VCV000338863.19), dbSNP rs74315418, ClinGen allele CA9754395.